The following is an entry in ClinVar:

NM_005921.2(MAP3K1):c.2091C>T (p.Arg697=)

Gene: MAP3K1 (mitogen-activated protein kinase kinase kinase 1; plus strand). Cytogenetic location: 5q11.2.
Variant type: single nucleotide variant.
Coding change: c.2091C>T on transcript NM_005921.2 (MANE Select); coding-DNA position 2091, C replaced by T.
Protein change: p.Arg697=; no amino-acid change (arginine 697 retained).
Molecular consequence: synonymous variant.
Genome position (GRCh38, 1-based): chr5:56,880,714, C>T. VCF-style: chr5-56880714-C-T. GRCh37 (hg19) VCF-style: chr5-56176541-C-T.
Identifiers: ClinVar variation 3039404 (VCV003039404.17), dbSNP rs372638992, ClinGen allele CA3272927.
Genomic context (GRCh38, chr5:56,880,714, plus strand): 5'-ATTGTATAGTGTTTTAGCCAAGATCCAGGATTGATGTTGCTTTTCCTTTGTTTTTAGCCG[C>T]ACAAGTCAGCTGTCCATATCAACACTGTTGGAACTGTGCAAAGGCCAAGCAGGAGAGTTG-3'
Protein context (NP_005912.1, residues 687-707): ILVKCADANS[Arg697=]TSQLSISTLL

ClinVar aggregate classification (germline): Likely benign. Review status: criteria provided, multiple submitters, no conflicts (2 of 4 stars). 3 submissions from 3 submitters: Likely benign (2). 1 of the submissions does not count toward it. Last evaluated 2024-12-01.

Conditions:
MAP3K1-related disorder. Also called: MAP3K1-related condition.
46,XY sex reversal 6. Also called: 46,XY SEX REVERSAL, PARTIAL OR COMPLETE, MAP3K1-RELATED; 46,XY GONADAL DYSGENESIS, PARTIAL OR COMPLETE, MAP3K1-RELATED. Identifiers: MedGen C3151064, MONDO:0013410, OMIM 613762.

Allele frequency attached by ClinVar (database versions not stated): gnomAD 0.00002; ExAC 0.00005; gnomAD exomes 0.00005; TOPMed 0.00006; ESP Exome Variant Server 0.00025.
gnomAD v4.1: 80 of 1,612,706 alleles (0.005%); highest among the groups gnomAD compares: Middle Eastern, 0.099%; no homozygotes.

Submissions (3):

CeGaT Center for Human Genetics Tuebingen
Classification: Likely benign. Last evaluated: 2024-12-01. Review status: criteria provided, single submitter. Criteria: CeGaT Center For Human Genetics Tuebingen Variant Classification Criteria Version 2. Collection method: clinical testing. Allele origin: germline. Affected: yes. Observed: 1 variant allele.
Comment: MAP3K1: BP4, BP7

Labcorp Genetics (formerly Invitae), Labcorp
Classification: Likely benign for 46,XY sex reversal 6. Last evaluated: 2024-08-04. Review status: criteria provided, single submitter. Criteria: Invitae Variant Classification Sherloc (09022015). Collection method: clinical testing. Allele origin: germline.

PreventionGenetics, part of Exact Sciences
Classification: Likely benign for MAP3K1-related condition. Last evaluated: 2019-05-23. Review status: no assertion criteria provided. Collection method: clinical testing. Allele origin: germline. Not counted in ClinVar's aggregate classification.
Comment: This variant is classified as likely benign based on ACMG/AMP sequence variant interpretation guidelines (Richards et al. 2015 PMID: 25741868, with internal and published modifications).